The following is an entry in ClinVar:

NM_206933.4(USH2A):c.4457= (p.Arg1486=)

Gene: USH2A (usherin; minus strand). Cytogenetic location: 1q41.
Variant type: single nucleotide variant.
Coding change: c.4457= on transcript NM_206933.4 (MANE Select); coding-DNA position 4457, no change from the reference sequence.
Protein change: p.Arg1486=; no amino-acid change (arginine 1486 retained).
Molecular consequence: no sequence alteration.
Genome position: GRCh38 VCF-style: chr1-216175422-C-C. GRCh37 (hg19) VCF-style: chr1-216348764-C-C.
Other names: p.K1486R:AAG>AGG; c.4457=, p.Arg1486= (NM_007123.6).
Identifiers: ClinVar variation 137894 (VCV000137894.16), dbSNP rs1805049.
Genomic context (GRCh38, chr1:216,175,422, plus strand): 5'-TCTCTCCTTTCCAGCTGATATATAGGAGAGGGTCCATTCAGTTCTTCAGGTGGAAACCAC[C=]TAAGATGGATTGTTGTGCTGTTGATTCCTTTAACCAGAGGTGGCCTCAGTTGTGCTGGTG-3'
Protein context (NP_996816.3, residues 1476-1496): KGINSTTIHL[Arg1486=]WFPPEELNGP

ClinVar aggregate classification (germline): Benign. Review status: criteria provided, multiple submitters, no conflicts (2 of 4 stars). 3 submissions from 3 submitters: Benign (3). Last evaluated 2026-02-04.

Allele frequency attached by ClinVar (database versions not stated): 1000 Genomes Project 30x 0.33885; TOPMed 0.37572; 1000 Genomes Project 0.33766; ExAC 0.34199; gnomAD exomes 0.36532 and 0.33947; gnomAD 0.37586 and 0.37210; ESP Exome Variant Server 0.39359.

Submissions (3):

Labcorp Genetics (formerly Invitae), Labcorp
Classification: Benign. Last evaluated: 2026-02-04. Review status: criteria provided, single submitter. Criteria: Invitae Variant Classification Sherloc (09022015). Collection method: clinical testing. Allele origin: germline.

GeneDx
Classification: Benign. Last evaluated: 2011-07-05. Review status: criteria provided, single submitter. Criteria: GeneDx Variant Classification (06012015). Collection method: clinical testing. Allele origin: germline. Affected: yes.
Comment: This variant is considered likely benign or benign based on one or more of the following criteria: it is a conservative change, it occurs at a poorly conserved position in the protein, it is predicted to be benign by multiple in silico algorithms, and/or has population frequency not consistent with disease.

Laboratory for Molecular Medicine, Mass General Brigham Personalized Medicine
Classification: Benign. Last evaluated: 2008-02-19. Review status: criteria provided, single submitter. Criteria: LMM Criteria. Collection method: clinical testing. Allele origin: germline. Observed: 264 variant alleles.